The following is an entry in ClinVar:

NM_000088.4(COL1A1):c.1072dup (p.Gln358fs)

Gene: COL1A1 (collagen type I alpha 1 chain; minus strand). Cytogenetic location: 17q21.33.
Variant type: Duplication.
Coding change: c.1072dup on transcript NM_000088.4 (MANE Select); coding-DNA position 1072, one base duplicated (C; older notation c.1072dupC).
Protein change: p.Gln358fs; shifts the reading frame from glutamine 358.
Molecular consequence: frameshift variant.
Genome position (GRCh38, 1-based): chr17:50,195,650, G duplicated on the plus strand (C on the coding strand, the reverse complement: COL1A1 is on the minus strand); the first of 4 consecutive G bases (chr17:50,195,650-50,195,653); duplicating any one gives the same sequence. VCF-style (leftmost placement, unchanged base first): chr17-50195649-T-TG. GRCh37 (hg19) VCF-style: chr17-48273010-T-TG.
Other names: short protein forms Q358fs.
Identifiers: ClinVar variation 3726018 (VCV003726018.2).
Genomic context (GRCh38, chr17:50,195,649, plus strand): 5'-GGGCCAGGGGGGCCAGGCTCACCACGCACACCCTGGGGACCTTCAGAGCCTCGGGGCCCT[T>TG]GGGGACCAGCTTCACCCTGAATCAGAAGAAAGGACATATCAGAAGCCACCCTGGGAAACC-3'

ClinVar aggregate classification (germline): Pathogenic (1 of 4 stars; one submission).

Conditions:
Osteogenesis imperfecta type I (OI1). Also called: Lobstein's Disease; Lobstein disease; Classic Non-deforming Osteogenesis Imperfecta with Blue Sclerae; OI, TYPE I; OSTEOGENESIS IMPERFECTA TARDA; OSTEOGENESIS IMPERFECTA WITH BLUE SCLERAE. Identifiers: Orphanet 216796, Orphanet 666, MedGen C0023931, MONDO:0008146, OMIM 166200. Disease mechanism: loss of function.

Submission:

Labcorp Genetics (formerly Invitae), Labcorp
Classification: Pathogenic for Osteogenesis imperfecta type I. Last evaluated: 2024-11-25. Review status: criteria provided, single submitter. Criteria: Invitae Variant Classification Sherloc (09022015). Collection method: clinical testing. Allele origin: germline.
Comment: This sequence change creates a premature translational stop signal (p.Gln358Profs*7) in the COL1A1 gene. It is expected to result in an absent or disrupted protein product. Loss-of-function variants in COL1A1 are known to be pathogenic (PMID: 7942841, 9295084, 9443882). This variant is not present in population databases (gnomAD no frequency). This variant has not been reported in the literature in individuals affected with COL1A1-related conditions. For these reasons, this variant has been classified as Pathogenic.

Literature cited by the submitters: PubMed 7942841; PubMed 9295084; PubMed 9443882.